The following is an entry in ClinVar:

NM_002335.4(LRP5):c.1180G>A (p.Val394Met)

Gene: LRP5 (LDL receptor related protein 5; plus strand). Cytogenetic location: 11q13.2.
Variant type: single nucleotide variant.
Coding change: c.1180G>A on transcript NM_002335.4 (MANE Select); coding-DNA position 1180, G replaced by A.
Protein change: p.Val394Met; replaces valine 394 with methionine.
Molecular consequence: missense variant. On other transcripts: 5 prime UTR variant (1).
Genome position (GRCh38, 1-based): chr11:68,386,480, G>A. VCF-style: chr11-68386480-G-A. GRCh37 (hg19) VCF-style: chr11-68153948-G-A.
Other names: c.-586G>A (NM_001291902.2); short protein forms V394M.
Identifiers: ClinVar variation 2118452 (VCV002118452.4), dbSNP rs2098643101, ClinGen allele CA381612409.

ClinVar aggregate classification (germline): Uncertain significance (1 of 4 stars; one submission).

Allele frequency attached by ClinVar (database versions not stated): gnomAD exomes 0.00001.
gnomAD v4.1: 7 of 1,614,130 alleles (0.00043%); highest among the groups gnomAD compares: Non-Finnish European, 0.00059%; no homozygotes.

Submission:

Labcorp Genetics (formerly Invitae), Labcorp
Classification: Uncertain significance. Last evaluated: 2022-03-27. Review status: criteria provided, single submitter. Criteria: Invitae Variant Classification Sherloc (09022015). Collection method: clinical testing. Allele origin: germline.
Comment: In summary, the available evidence is currently insufficient to determine the role of this variant in disease. Therefore, it has been classified as a Variant of Uncertain Significance. Algorithms developed to predict the effect of missense changes on protein structure and function are either unavailable or do not agree on the potential impact of this missense change (SIFT: "Deleterious"; PolyPhen-2: "Possibly Damaging"; Align-GVGD: "Class C15"). This variant has not been reported in the literature in individuals affected with LRP5-related conditions. This variant is not present in population databases (gnomAD no frequency). This sequence change replaces valine, which is neutral and non-polar, with methionine, which is neutral and non-polar, at codon 394 of the LRP5 protein (p.Val394Met).